The following is an entry in ClinVar:

ClinVar aggregate classification (germline): Uncertain significance (1 of 4 stars; one submission).

Submission:

CeGaT Center for Human Genetics Tuebingen
Classification: Uncertain significance. Last evaluated: 2026-04-01. Review status: criteria provided, single submitter. Criteria: CeGaT Center For Human Genetics Tuebingen Variant Classification Criteria Version 2. Collection method: clinical testing. Allele origin: germline. Affected: yes. Observed: 1 variant allele.
Comment: SLC1A2: PM2

NM_004171.4(SLC1A2):c.1166T>C (p.Val389Ala)

Gene: SLC1A2 (solute carrier family 1 member 2; minus strand). Cytogenetic location: 11p13.
Variant type: single nucleotide variant.
Coding change: c.1166T>C on transcript NM_004171.4 (MANE Select); coding-DNA position 1166, T replaced by C.
Protein change: p.Val389Ala; replaces valine 389 with alanine.
Molecular consequence: missense variant.
Genome position (GRCh38, 1-based): chr11:35,286,877, A>G on the plus strand (T>C on the coding strand, the complement: SLC1A2 is on the minus strand). VCF-style: chr11-35286877-A-G. GRCh37 (hg19) VCF-style: chr11-35308424-A-G.
Other names: c.1139T>C, p.Val380Ala (NM_001195728.3, NM_001252652.2, NM_001439341.1); c.1154T>C, p.Val385Ala (NM_001439342.1); c.932T>C, p.Val311Ala (NM_001439343.1); short protein forms V311A, V380A, V385A, V389A.
Identifiers: ClinVar variation 4874479 (VCV004874479.2).